The following is an entry in ClinVar:

ClinVar aggregate classification (germline): Uncertain significance (1 of 4 stars; one submission).

Submission:

Ambry Genetics
Classification: Uncertain significance. Last evaluated: 2025-09-04. Review status: criteria provided, single submitter. Criteria: Ambry Variant Classification Scheme 2023. Collection method: clinical testing. Allele origin: germline.
Comment: The p.P1269H variant (also known as c.3806C>A), located in coding exon 14 of the CDK12 gene, results from a C to A substitution at nucleotide position 3806. The proline at codon 1269 is replaced by histidine, an amino acid with similar properties. This amino acid position is conserved. In addition, the in silico prediction for this alteration is inconclusive. Based on the available evidence, the clinical significance of this variant remains unclear.

NM_016507.4(CDK12):c.3806C>A (p.Pro1269His)

Gene: CDK12 (cyclin dependent kinase 12; plus strand). Cytogenetic location: 17q12.
Variant type: single nucleotide variant.
Coding change: c.3806C>A on transcript NM_016507.4 (MANE Select); coding-DNA position 3806, C replaced by A.
Protein change: p.Pro1269His; replaces proline 1269 with histidine.
Molecular consequence: missense variant.
Genome position (GRCh38, 1-based): chr17:39,530,649, C>A. VCF-style: chr17-39530649-C-A. GRCh37 (hg19) VCF-style: chr17-37686902-C-A.
Other names: c.3779C>A, p.Pro1260His (NM_015083.4); short protein forms P1260H, P1269H.
Identifiers: ClinVar variation 4224441 (VCV004224441.1).
Genomic context (GRCh38, chr17:39,530,649, plus strand): 5'-GTAACCCTTCCACAGCATGTCCTCCTCACATTCTTCCACCAGAGAAGAGGCCCCCTGAGC[C>A]CCCCGGACCTCCACCGCCGCCACCTCCACCCCCTCTGGTTGAAGGCGATCTTTCCAGCGC-3'
Protein context (NP_057591.2, residues 1259-1279): ILPPEKRPPE[Pro1269His]PGPPPPPPPP